The following is an entry in ClinVar:

ClinVar aggregate classification (germline): Uncertain significance. Review status: criteria provided, multiple submitters, no conflicts (2 of 4 stars). 2 submissions from 2 submitters: Uncertain significance (2). Last evaluated 2024-11-09.

Conditions:
Aicardi-Goutieres syndrome 5. Identifiers: Orphanet 51, MedGen C2749659, MONDO:0013059, OMIM 612952.
Inborn genetic diseases. Identifiers: MedGen C0950123, MeSH D030342.

Allele frequency attached by ClinVar (database versions not stated): TOPMed below 0.00001; gnomAD 0.00001; gnomAD exomes 0.00001; ExAC 0.00005.
gnomAD v4.1: 8 of 1,609,680 alleles (0.0005%); highest among the groups gnomAD compares: Admixed American, 0.012%; no homozygotes.

Submissions (2):

Ambry Genetics
Classification: Uncertain significance for Inborn genetic diseases. Last evaluated: 2024-11-09. Review status: criteria provided, single submitter. Criteria: Ambry Variant Classification Scheme 2023. Collection method: clinical testing. Allele origin: germline.

Labcorp Genetics (formerly Invitae), Labcorp
Classification: Uncertain significance for Aicardi-Goutieres syndrome 5. Last evaluated: 2022-04-15. Review status: criteria provided, single submitter. Criteria: Invitae Variant Classification Sherloc (09022015). Collection method: clinical testing. Allele origin: germline.
Comment: This sequence change replaces serine, which is neutral and polar, with glycine, which is neutral and non-polar, at codon 92 of the SAMHD1 protein (p.Ser92Gly). This variant is present in population databases (rs761667582, gnomAD 0.02%). This variant has not been reported in the literature in individuals affected with SAMHD1-related conditions. Algorithms developed to predict the effect of missense changes on protein structure and function (SIFT, PolyPhen-2, Align-GVGD) all suggest that this variant is likely to be tolerated. Algorithms developed to predict the effect of sequence changes on RNA splicing suggest that this variant may create or strengthen a splice site. In summary, the available evidence is currently insufficient to determine the role of this variant in disease. Therefore, it has been classified as a Variant of Uncertain Significance.

NM_015474.4(SAMHD1):c.274A>G (p.Ser92Gly)

Gene: SAMHD1 (SAM and HD domain containing deoxynucleoside triphosphate triphosphohydrolase 1; minus strand). Cytogenetic location: 20q11.23.
Variant type: single nucleotide variant.
Coding change: c.274A>G on transcript NM_015474.4 (MANE Select); coding-DNA position 274, A replaced by G.
Protein change: p.Ser92Gly; replaces serine 92 with glycine.
Molecular consequence: missense variant.
Genome position (GRCh38, 1-based): chr20:36,946,739, T>C on the plus strand (A>G on the coding strand, the complement: SAMHD1 is on the minus strand). VCF-style: chr20-36946739-T-C. GRCh37 (hg19) VCF-style: chr20-35575142-T-C.
Other names: c.274A>G, p.Ser92Gly (NM_001363729.2, NM_001363733.2); short protein forms S92G.
Identifiers: ClinVar variation 2074329 (VCV002074329.3), dbSNP rs761667582, ClinGen allele CA9844785.
Genomic context (GRCh38, chr20:36,946,739, plus strand): 5'-CCCTGAAAGATGGATAAAGTGTGTTTGGTTATAACGTGAATTTATTTCTTCATTCTTACC[T>C]TACTCCAAGATTTTCAAAACGAGACTCATCAAGACAAGGCAGTAATGCGCCTGTGATTTC-3'
Protein context (NP_056289.2, residues 82-102): DESRFENLGV[Ser92Gly]SLGERKKLLS